The following is an entry in ClinVar:

NM_001267550.2(TTN):c.21142C>T (p.Arg7048Ter)

Genes: TTN (titin; minus strand), LOC126806428 (BRD4-independent group 4 enhancer GRCh37_chr2:179588362-179589561; plus strand). Cytogenetic location: 2q31.2.
Variant type: single nucleotide variant.
Coding change: c.21142C>T on transcript NM_001267550.2 (MANE Select); coding-DNA position 21142, C replaced by T.
Protein change: p.Arg7048Ter; replaces arginine 7048 with a stop codon.
Molecular consequence: nonsense. On other transcripts: intron variant (3).
Genome position (GRCh38, 1-based): chr2:178,724,117, G>A on the plus strand (C>T on the coding strand, the complement: TTN is on the minus strand). VCF-style: chr2-178724117-G-A. GRCh37 (hg19) VCF-style: chr2-179588844-G-A.
Other names: c.20191C>T, p.Arg6731Ter (NM_001256850.1); c.17410C>T, p.Arg5804Ter (NM_133378.4); c.13282+13965C>T (NM_003319.4); c.13858+13965C>T (NM_133437.4); c.13657+13965C>T (NM_133432.3); c.21142C>T (LRG_391t1); short protein forms R7048*, R5804*, R6731*.
Identifiers: ClinVar variation 223333 (VCV000223333.11), dbSNP rs770579313, ClinGen allele CA089801.

ClinVar aggregate classification (germline): Conflicting classifications of pathogenicity. Review status: criteria provided, conflicting classifications (1 of 4 stars). 4 submissions from 4 submitters: Likely pathogenic (1); Uncertain significance (3). Last evaluated 2024-04-12.

Conditions:
Dilated cardiomyopathy 1G (CMD1G). Identifiers: Orphanet 154, MedGen C1858763, MONDO:0011400, OMIM 604145.
Autosomal recessive limb-girdle muscular dystrophy type 2J (LGMDR10). Also called: Limb-girdle muscular dystrophy, type 2J; MUSCULAR DYSTROPHY, LIMB-GIRDLE, AUTOSOMAL RECESSIVE 10. Identifiers: Orphanet 140922, MedGen C1837342, MONDO:0012127, OMIM 608807.
Myopathy, myofibrillar, 9, with early respiratory failure (MFM9). Also called: Hereditary myopathy with early respiratory failure; Myopathy, distal, with early respiratory failure, autosomal dominant; MYOPATHY, PROXIMAL, WITH EARLY RESPIRATORY MUSCLE INVOLVEMENT; EDSTROM MYOPATHY. Identifiers: Orphanet 178464, Orphanet 34521, MedGen C1863599, MONDO:0011362, OMIM 603689.
Primary dilated cardiomyopathy (DCM). Also called: Dilated Cardiomyopathy. Identifiers: Orphanet 217604, MedGen C0007193, MeSH D002311, MONDO:0005021, HP:0001644. Inheritance: Various modes of inheritance.

Allele frequency attached by ClinVar (database versions not stated): gnomAD exomes below 0.00001 and 0.00001; gnomAD 0.00001; ExAC 0.00002.
gnomAD v4.1: 7 of 1,612,136 alleles (0.00043%); highest among the groups gnomAD compares: Non-Finnish European, 0.00051%; no homozygotes.

Submissions (4):

Pittsburgh Clinical Genomics Laboratory, University of Pittsburgh Medical Center
Classification: Uncertain significance for Myopathy, myofibrillar, 9, with early respiratory failure. Last evaluated: 2024-04-12. Review status: criteria provided, single submitter. Criteria: ACMG Guidelines, 2015. Collection method: clinical testing. Allele origin: germline. Inheritance: Autosomal unknown. Affected: yes.
Comment: This sequence variant is a single nucleotide substitution (C>T) at position 21142 of the coding sequence of the TTN gene that changes the codon at position 7048 from arginine to a premature termination codon. The Arg7048 residue falls in the I-band of the TTN-encoded titin protein (PMID: 25589632). RNA sequencing has found that the exon containing this variant is present in 25% of heart-derived mRNA sequencing reads (PMID: 25589632) and is nearly absent from muscle-derived mRNA (GTEx). This variant may not result in nonsense mediated decay, but it is expected to truncate the titin protein (PMID: 36685919). This is a previously reported variant (ClinVar 223333) that has been observed in an individual affected by limb-girdle muscular dystrophy (PMID: 31618753) as well as a healthy control (PMID: 25589632). This variant is present in 3 of 398592 alleles (0.0008%) in the gnomAD population dataset. At this time, there is insufficient evidence to determine if this variant is pathogenic or benign. Therefore, we consider this a variant of uncertain significance. ACMG Criteria: PM2

Labcorp Genetics (formerly Invitae), Labcorp
Classification: Likely pathogenic for Dilated cardiomyopathy 1G; Autosomal recessive limb-girdle muscular dystrophy type 2J. Last evaluated: 2024-01-08. Review status: criteria provided, single submitter. Criteria: Invitae Variant Classification Sherloc (09022015). Collection method: clinical testing. Allele origin: germline.
Comment: This sequence change creates a premature translational stop signal (p.Arg7048*) in the TTN gene. While this is not anticipated to result in nonsense mediated decay, it is expected to create a truncated TTN protein. This variant is present in population databases (rs770579313, gnomAD 0.002%). This premature translational stop signal has been observed in individual(s) with clinical features of limb girdle muscular dystrophy (PMID: 31618753). ClinVar contains an entry for this variant (Variation ID: 223333). This variant is located in the I band of TTN (PMID: 25589632). Truncating variants in this region have been reported in individuals affected with autosomal recessive centronuclear myopathy (PMID: 23975875, Invitae internal data). Truncating variants in this region have also been identified in individuals affected with autosomal dominant dilated cardiomyopathy and/or cardio-related conditions (PMID: 27869827, 32964742, Invitae internal data). In summary, the currently available evidence indicates that the variant is pathogenic, but additional data are needed to prove that conclusively. Therefore, this variant has been classified as Likely Pathogenic.

Eurofins Ntd Llc (ga)
Classification: Uncertain significance. Last evaluated: 2016-02-08. Review status: criteria provided, single submitter. Criteria: EGL Classification Definitions 2015. Collection method: clinical testing. Allele origin: germline. Observed: 1 variant allele, 1 heterozygote.

Cardiovascular Biomedical Research Unit, Royal Brompton & Harefield NHS Foundation Trust
Classification: Uncertain significance for Primary dilated cardiomyopathy. Last evaluated: 2014-10-08. Review status: criteria provided, single submitter. Criteria: Roberts et al. 2015. Collection method: research. Allele origin: germline. Inheritance: Autosomal dominant inheritance. Affected: no. Observed: 1 variant allele. Study: Healthy Volunteers.
Comment: In the seven cohorts assessed, TTNtv were found in 14% of ambulant DCM, 22% end-stage or familial DCM, and 2% controls. Heterozygous nonsense, frameshift and canonical splice-disrupting variants found in constitutive and other highly utilised exons are highly likely to be pathogenic when identified in individuals with phenotypically confirmed DCM. TTNtv found incidentally in healthy individuals (excluding familial assessment of DCM relatives) are thought to have low penetrance, particularly when identified in exons that are not constitutively expressed in the heart.

Literature cited by the submitters: PubMed 36685919 (cited by Pittsburgh Clinical Genomics Laboratory, University of Pittsburgh Medical Center); PubMed 31618753 (cited by Pittsburgh Clinical Genomics Laboratory, University of Pittsburgh Medical Center and Labcorp Genetics (formerly Invitae), Labcorp); PubMed 25589632 (cited by Pittsburgh Clinical Genomics Laboratory, University of Pittsburgh Medical Center and Labcorp Genetics (formerly Invitae), Labcorp); PubMed 23975875 (cited by Labcorp Genetics (formerly Invitae), Labcorp); PubMed 27869827 (cited by Labcorp Genetics (formerly Invitae), Labcorp); PubMed 32964742 (cited by Labcorp Genetics (formerly Invitae), Labcorp).